The following is an entry in ClinVar:

ClinVar aggregate classification (germline): Likely pathogenic (1 of 4 stars; one submission).

Conditions:
Glycine encephalopathy. Also called: Non-ketotic hyperglycinemia; Nonketotic hyperglycinemia. Identifiers: Orphanet 407, MedGen C0751748, MONDO:0011612, HP:0008288.

Submission:

Myriad Genetics, Inc.
Classification: Likely pathogenic for Glycine encephalopathy 1. Last evaluated: 2019-02-03. Review status: criteria provided, single submitter. Criteria: Myriad Women's Health Autosomal Recessive and X-Linked Classification Criteria (2019). Collection method: clinical testing. Allele origin: unknown.
Comment: NM_000170.2(GLDC):c.1012G>T(E338*) is expected to be pathogenic in the context of GLDC-related glycine encephalopathy. This variant is predicted to lead to an abnormal or absent protein product due to the creation of a premature termination codon in GLDC, a gene where loss-of-function variants are known to be pathogenic. Please note: this variant was assessed in the context of healthy population screening.

NM_000170.3(GLDC):c.1012G>T (p.Glu338Ter)

Gene: GLDC (glycine decarboxylase; minus strand). Cytogenetic location: 9p24.1.
Variant type: single nucleotide variant.
Coding change: c.1012G>T on transcript NM_000170.3 (MANE Select); coding-DNA position 1012, G replaced by T.
Protein change: p.Glu338Ter; replaces glutamic acid 338 with a stop codon.
Molecular consequence: nonsense.
Genome position (GRCh38, 1-based): chr9:6,604,634, C>A on the plus strand (G>T on the coding strand, the complement: GLDC is on the minus strand). VCF-style: chr9-6604634-C-A. GRCh37 (hg19) VCF-style: chr9-6604634-C-A.
Other names: short protein forms E338*.
Identifiers: ClinVar variation 984008 (VCV000984008.3), dbSNP rs1818692381, ClinGen allele CA372895467.